The following is an entry in ClinVar:

ClinVar aggregate classification (germline): Uncertain significance (1 of 4 stars; one submission).

Conditions:
MOGS-congenital disorder of glycosylation. Also called: CDG IIb; CDG 2B; GLUCOSIDASE I DEFICIENCY; MOGS-CDG. Identifiers: Orphanet 79330, MedGen C1853736, MONDO:0011629, OMIM 606056.

Submission:

Victorian Clinical Genetics Services, Murdoch Childrens Research Institute
Classification: Uncertain significance for MOGS-congenital disorder of glycosylation. Last evaluated: 2024-10-09. Review status: criteria provided, single submitter. Criteria: ACMG Guidelines, 2015. Collection method: clinical testing. Allele origin: germline. Inheritance: Autosomal recessive inheritance. Affected: yes.
Comment: Based on the classification scheme VCGS_Germline_v1.3.4, this variant is classified as VUS-3C. Following criteria are met: 0102 - Loss of function is a known mechanism of disease in this gene and is associated with congenital disorder of glycosylation, type IIb (MIM#606056). (I) 0106 - This gene is associated with autosomal recessive disease. (I) 0200 - Variant is predicted to result in a missense amino acid change from glutamine to proline. (I) 0251 - This variant is heterozygous. (I) 0301 - Variant is absent from gnomAD (both v2 and v3). (SP) 0502 - Missense variant with conflicting in silico predictions and uninformative conservation. (I) 0600 - Variant is located in the annotated glycosyl hydrolase family 63 C-terminal domain (DECIPHER). (I) 0705 - No comparable missense variants have previous evidence for pathogenicity. (I) 0807 - This variant has no previous evidence of pathogenicity. (I) 0905 - No published segregation evidence has been identified for this variant. (I) 1007 - No published functional evidence has been identified for this variant. (I) Legend: (SP) - Supporting pathogenic, (I) - Information, (SB) - Supporting benign

NM_006302.3(MOGS):c.2330A>C (p.Gln777Pro)

Gene: MOGS (mannosyl-oligosaccharide glucosidase; minus strand). Cytogenetic location: 2p13.1.
Variant type: single nucleotide variant.
Coding change: c.2330A>C on transcript NM_006302.3 (MANE Select); coding-DNA position 2330, A replaced by C.
Protein change: p.Gln777Pro; replaces glutamine 777 with proline.
Molecular consequence: missense variant.
Genome position (GRCh38, 1-based): chr2:74,461,459, T>G on the plus strand (A>C on the coding strand, the complement: MOGS is on the minus strand). VCF-style: chr2-74461459-T-G. GRCh37 (hg19) VCF-style: chr2-74688586-T-G.
Other names: c.2012A>C, p.Gln671Pro (NM_001146158.2); short protein forms Q671P, Q777P.
Identifiers: ClinVar variation 3377017 (VCV003377017.1).
Genomic context (GRCh38, chr2:74,461,459, plus strand): 5'-CGCCATACATTGCCTACCACGTTGGCACGGAGCTCACCGTGGAGTTTGGCAGCCCGAGCC[T>G]GGTGAGGACCCTCCAGATGCCCATAGTGGTGGAGTGCTCCCAAAGCCAGGTAGTTGACAT-3'
Protein context (NP_006293.2, residues 767-787): HHYGHLEGPH[Gln777Pro]ARAAKLHGEL